The following is an entry in ClinVar:

NM_006030.4(CACNA2D2):c.1052G>A (p.Arg351His)

Gene: CACNA2D2 (calcium voltage-gated channel auxiliary subunit alpha2delta 2; minus strand). Cytogenetic location: 3p21.31.
Variant type: single nucleotide variant.
Coding change: c.1052G>A on transcript NM_006030.4 (MANE Select); coding-DNA position 1052, G replaced by A.
Protein change: p.Arg351His; replaces arginine 351 with histidine.
Molecular consequence: missense variant.
Genome position (GRCh38, 1-based): chr3:50,379,532, C>T on the plus strand (G>A on the coding strand, the complement: CACNA2D2 is on the minus strand). VCF-style: chr3-50379532-C-T. GRCh37 (hg19) VCF-style: chr3-50416963-C-T.
Other names: c.1052G>A, p.Arg351His (NM_001005505.3, NM_001174051.3); c.845G>A, p.Arg282His (NM_001291101.1); c.1052G>A (NM_001174051.1); short protein forms R351H, R282H.
Identifiers: ClinVar variation 862109 (VCV000862109.6), dbSNP rs747629573, ClinGen allele CA2418994.

ClinVar aggregate classification (germline): Uncertain significance. Review status: criteria provided, multiple submitters, no conflicts (2 of 4 stars). 2 submissions from 2 submitters: Uncertain significance (2). Last evaluated 2025-03-26.

Conditions:
Developmental and epileptic encephalopathy. Identifiers: MedGen C5779964, MONDO:0100620.
Inborn genetic diseases. Identifiers: MedGen C0950123, MeSH D030342.

Allele frequency attached by ClinVar (database versions not stated): gnomAD exomes 0.00003 and 0.00002; gnomAD 0.00003; TOPMed 0.00003; ExAC 0.00004.
gnomAD v4.1: 42 of 1,613,884 alleles (0.0026%); highest among the groups gnomAD compares: Non-Finnish European, 0.0031%; no homozygotes.

Submissions (2):

Ambry Genetics
Classification: Uncertain significance for Inborn genetic diseases. Last evaluated: 2025-03-26. Review status: criteria provided, single submitter. Criteria: Ambry Variant Classification Scheme 2023. Collection method: clinical testing. Allele origin: germline.

Labcorp Genetics (formerly Invitae), Labcorp
Classification: Uncertain significance for Early-infantile DEE. Last evaluated: 2022-08-31. Review status: criteria provided, single submitter. Criteria: Invitae Variant Classification Sherloc (09022015). Collection method: clinical testing. Allele origin: germline.
Comment: This sequence change replaces arginine, which is basic and polar, with histidine, which is basic and polar, at codon 351 of the CACNA2D2 protein (p.Arg351His). This variant is present in population databases (rs747629573, gnomAD 0.006%). This variant has not been reported in the literature in individuals affected with CACNA2D2-related conditions. ClinVar contains an entry for this variant (Variation ID: 862109). Algorithms developed to predict the effect of missense changes on protein structure and function are either unavailable or do not agree on the potential impact of this missense change (SIFT: "Deleterious"; PolyPhen-2: "Probably Damaging"; Align-GVGD: "Class C0"). In summary, the available evidence is currently insufficient to determine the role of this variant in disease. Therefore, it has been classified as a Variant of Uncertain Significance.